The following is an entry in ClinVar:

NM_019109.5(ALG1):c.1166T>C (p.Val389Ala)

Gene: ALG1 (ALG1 chitobiosyldiphosphodolichol beta-mannosyltransferase; plus strand). Cytogenetic location: 16p13.3.
Variant type: single nucleotide variant.
Coding change: c.1166T>C on transcript NM_019109.5 (MANE Select); coding-DNA position 1166, T replaced by C.
Protein change: p.Val389Ala; replaces valine 389 with alanine.
Molecular consequence: missense variant.
Genome position (GRCh38, 1-based): chr16:5,082,652, T>C. VCF-style: chr16-5082652-T-C. GRCh37 (hg19) VCF-style: chr16-5132653-T-C.
Other names: c.833T>C, p.Val278Ala (NM_001330504.2); short protein forms V389A, V278A.
Identifiers: ClinVar variation 1348735 (VCV001348735.6), dbSNP rs1394994402, ClinGen allele CA394673943.

ClinVar aggregate classification (germline): Uncertain significance. Review status: criteria provided, multiple submitters, no conflicts (2 of 4 stars). 2 submissions from 2 submitters: Uncertain significance (2). Last evaluated 2022-08-22.

Conditions:
ALG1-congenital disorder of glycosylation. Also called: CONGENITAL DISORDER OF GLYCOSYLATION, TYPE Ik; ALG1-CDG; CDG Ik. Identifiers: Orphanet 79327, MedGen C2931005, MONDO:0012052, OMIM 608540.

gnomAD v4.1: 2 of 1,611,830 alleles (0.00012%); highest among the groups gnomAD compares: Admixed American, 0.0017%; no homozygotes.

Submissions (2):

Labcorp Genetics (formerly Invitae), Labcorp
Classification: Uncertain significance for ALG1-congenital disorder of glycosylation. Last evaluated: 2022-08-22. Review status: criteria provided, single submitter. Criteria: Invitae Variant Classification Sherloc (09022015). Collection method: clinical testing. Allele origin: germline.
Comment: This sequence change replaces valine, which is neutral and non-polar, with alanine, which is neutral and non-polar, at codon 389 of the ALG1 protein (p.Val389Ala). This variant is not present in population databases (gnomAD no frequency). This variant has not been reported in the literature in individuals affected with ALG1-related conditions. ClinVar contains an entry for this variant (Variation ID: 1348735). Advanced modeling of protein sequence and biophysical properties (such as structural, functional, and spatial information, amino acid conservation, physicochemical variation, residue mobility, and thermodynamic stability) performed at Invitae indicates that this missense variant is expected to disrupt ALG1 protein function. Algorithms developed to predict the effect of sequence changes on RNA splicing suggest that this variant may create or strengthen a splice site. In summary, the available evidence is currently insufficient to determine the role of this variant in disease. Therefore, it has been classified as a Variant of Uncertain Significance.

Fulgent Genetics
Classification: Uncertain significance for ALG1-congenital disorder of glycosylation. Last evaluated: 2021-12-24. Review status: criteria provided, single submitter. Criteria: ACMG Guidelines, 2015. Collection method: clinical testing. Allele origin: unknown.